The following is an entry in ClinVar:

ClinVar aggregate classification (germline): Uncertain significance. Review status: criteria provided, single submitter (1 of 4 stars). 2 submissions from 2 submitters: Uncertain significance (1). 1 of the submissions does not count toward it. Last evaluated 2024-05-29.

Conditions:
Hyperlipidemia, familial combined, susceptibility to. Identifiers: MedGen C4016424.

Submissions (2):

Women's Health and Genetics/Laboratory Corporation of America, LabCorp
Classification: Uncertain significance. Last evaluated: 2024-05-29. Review status: criteria provided, single submitter. Criteria: LabCorp Variant Classification Summary - May 2015. Collection method: clinical testing. Allele origin: germline.
Comment: Variant summary: LPL c.-227T>C (also reported as "T(-39)C") is located in the untranscribed region upstream of the LPL gene region. The frequency data for this variant in gnomAD is considered unreliable, as metrics indicate poor data quality at this position. c.-227T>C has been reported in the literature in the heterozygous state in at least 1 individual affected with biochemical features consistent with carrier status for Familial Lipoprotein Lipase Deficiency (example, Yang_1995, Yang_1996). These data do not allow any conclusion about variant significance. Post-heparin LPL activity in patient cells was approximately half of normal levels, and in vitro experiments found that this variant disrupts the Oct-1 transcription factor binding site and reduces LPL promoter activity to <15% of controls in a THP-1 monocytic cell line, however the biological impact was not assessed in LPL-relevant cell lines (example, Yang_1995). The following publications have been ascertained in the context of this evaluation (PMID: 9017514, 7753827). ClinVar contains an entry for this variant (Variation ID: 1549). Based on the evidence outlined above, the variant was classified as uncertain significance.

OMIM
Classification: risk factor for COMBINED HYPERLIPIDEMIA, FAMILIAL, SUSCEPTIBILITY TO. Last evaluated: 1995-05-09. Review status: no assertion criteria provided. Collection method: literature only. Allele origin: germline. Not counted in ClinVar's aggregate classification.

Literature cited by the submitters: PubMed 9017514 (cited by Women's Health and Genetics/Laboratory Corporation of America, LabCorp); PubMed 7753827 (cited by Women's Health and Genetics/Laboratory Corporation of America, LabCorp and OMIM).

NM_000237.3(LPL):c.-227T>C

Gene: LPL (lipoprotein lipase; plus strand). Cytogenetic location: 8p21.3.
Variant type: single nucleotide variant.
Coding change: c.-227T>C on transcript NM_000237.3 (MANE Select); 227 bases upstream of the start codon, T replaced by C.
Genome position (GRCh38, 1-based): chr8:19,939,214, T>C. VCF-style: chr8-19939214-T-C. GRCh37 (hg19) VCF-style: chr8-19796725-T-C.
Other names: -39T-C, PROMOTER.
Identifiers: ClinVar variation 1549 (VCV000001549.4), dbSNP rs2128835067, ClinGen allele CA2573053000.